The following is an entry in ClinVar:

ClinVar aggregate classification (germline): Uncertain significance (1 of 4 stars; one submission).

Conditions:
Bardet-Biedl syndrome (BBS). Identifiers: Orphanet 110, MedGen C0752166, MONDO:0015229.

Submission:

Labcorp Genetics (formerly Invitae), Labcorp
Classification: Uncertain significance for Bardet-Biedl syndrome. Last evaluated: 2022-08-06. Review status: criteria provided, single submitter. Criteria: Invitae Variant Classification Sherloc (09022015). Collection method: clinical testing. Allele origin: germline.
Comment: This sequence change replaces aspartic acid, which is acidic and polar, with asparagine, which is neutral and polar, at codon 102 of the WDPCP protein (p.Asp102Asn). In summary, the available evidence is currently insufficient to determine the role of this variant in disease. Therefore, it has been classified as a Variant of Uncertain Significance. Algorithms developed to predict the effect of missense changes on protein structure and function are either unavailable or do not agree on the potential impact of this missense change (SIFT: "Deleterious"; PolyPhen-2: "Probably Damaging"; Align-GVGD: "Class C15"). This variant has not been reported in the literature in individuals affected with WDPCP-related conditions. This variant is not present in population databases (gnomAD no frequency).

NM_015910.7(WDPCP):c.304G>A (p.Asp102Asn)

Gene: WDPCP (WD repeat containing planar cell polarity effector; minus strand). Cytogenetic location: 2p15.
Variant type: single nucleotide variant.
Coding change: c.304G>A on transcript NM_015910.7 (MANE Select); coding-DNA position 304, G replaced by A.
Protein change: p.Asp102Asn; replaces aspartic acid 102 with asparagine.
Molecular consequence: missense variant. On other transcripts: non-coding transcript variant (2).
Genome position (GRCh38, 1-based): chr2:63,484,937, C>T on the plus strand (G>A on the coding strand, the complement: WDPCP is on the minus strand). VCF-style: chr2-63484937-C-T. GRCh37 (hg19) VCF-style: chr2-63712071-C-T.
Other names: c.232G>A, p.Asp78Asn (NM_001354044.2); c.304G>A, p.Asp102Asn (NM_001354045.2); short protein forms D102N, D78N.
Identifiers: ClinVar variation 2002356 (VCV002002356.4), dbSNP rs757449444, ClinGen allele CA49241945.